The following is an entry in ClinVar:

NM_000026.4(ADSL):c.227T>C (p.Met76Thr)

Gene: ADSL (adenylosuccinate lyase; plus strand). Cytogenetic location: 22q13.1.
Variant type: single nucleotide variant.
Coding change: c.227T>C on transcript NM_000026.4 (MANE Select); coding-DNA position 227, T replaced by C.
Protein change: p.Met76Thr; replaces methionine 76 with threonine.
Molecular consequence: missense variant. On other transcripts: non-coding transcript variant (1).
Genome position (GRCh38, 1-based): chr22:40,349,905, T>C. VCF-style: chr22-40349905-T-C. GRCh37 (hg19) VCF-style: chr22-40745909-T-C.
Other names: c.227T>C, p.Met76Thr (NM_001123378.3, NM_001363840.3, NM_001410812.1 and 2 more transcripts); c.35T>C, p.Met12Thr (NM_001317923.2); short protein forms M12T, M76T.
Identifiers: ClinVar variation 2124184 (VCV002124184.4), dbSNP rs2518086794, ClinGen allele CA411634523.

ClinVar aggregate classification (germline): Uncertain significance (1 of 4 stars; one submission).

Conditions:
Adenylosuccinate lyase deficiency (ADSLD). Also called: ADSL DEFICIENCY. Identifiers: Orphanet 46, MedGen C0268126, MONDO:0007068, OMIM 103050.

Allele frequency attached by ClinVar (database versions not stated): gnomAD exomes below 0.00001.
gnomAD v4.1: 1 of 1,614,190 alleles (0.000062%); highest among the groups gnomAD compares: Non-Finnish European, 0.000085%; no homozygotes.

Submission:

Labcorp Genetics (formerly Invitae), Labcorp
Classification: Uncertain significance for Adenylosuccinate lyase deficiency. Last evaluated: 2022-04-22. Review status: criteria provided, single submitter. Criteria: Invitae Variant Classification Sherloc (09022015). Collection method: clinical testing. Allele origin: germline.
Comment: This sequence change replaces methionine, which is neutral and non-polar, with threonine, which is neutral and polar, at codon 76 of the ADSL protein (p.Met76Thr). This variant is not present in population databases (gnomAD no frequency). This variant has not been reported in the literature in individuals affected with ADSL-related conditions. Advanced modeling of protein sequence and biophysical properties (such as structural, functional, and spatial information, amino acid conservation, physicochemical variation, residue mobility, and thermodynamic stability) performed at Invitae indicates that this missense variant is not expected to disrupt ADSL protein function. In summary, the available evidence is currently insufficient to determine the role of this variant in disease. Therefore, it has been classified as a Variant of Uncertain Significance.